The following is an entry in ClinVar:

NM_182919.4(TICAM1):c.1276A>G (p.Thr426Ala)

Gene: TICAM1 (TIR domain containing adaptor molecule 1; minus strand). Cytogenetic location: 19p13.3.
Variant type: single nucleotide variant.
Coding change: c.1276A>G on transcript NM_182919.4 (MANE Select); coding-DNA position 1276, A replaced by G.
Protein change: p.Thr426Ala; replaces threonine 426 with alanine.
Molecular consequence: missense variant.
Genome position (GRCh38, 1-based): chr19:4,817,102, T>C on the plus strand (A>G on the coding strand, the complement: TICAM1 is on the minus strand). VCF-style: chr19-4817102-T-C. GRCh37 (hg19) VCF-style: chr19-4817114-T-C.
Other names: c.634A>G, p.Thr212Ala (NM_001385680.1); c.1276A>G (NM_182919.2); c.1234A>G, p.Thr412Ala (NM_001385678.1); c.1141A>G, p.Thr381Ala (NM_001385679.1); short protein forms T412A, T381A, T212A, T426A.
Identifiers: ClinVar variation 1407063 (VCV001407063.7), dbSNP rs995707106, ClinGen allele CA304547575.
Genomic context (GRCh38, chr19:4,817,102, plus strand): 5'-TGGCGTCCTGCAGGCAGCTCAGCTCCCCGCGCCCCGGCACCTGGAAATCCTCGCAGAAGG[T>C]GGCCCCGTCGGGCACGCCAAGGGCCTCCAGCTTCTCCCGAACCCGCAGGGCGATGTGTTC-3'
Protein context (NP_891549.1, residues 416-436): LEALGVPDGA[Thr426Ala]FCEDFQVPGR

ClinVar aggregate classification (germline): Uncertain significance. Review status: criteria provided, multiple submitters, no conflicts (2 of 4 stars). 2 submissions from 2 submitters: Uncertain significance (2). Last evaluated 2024-09-12.

Conditions:
Encephalopathy, acute, infection-induced (herpes-specific), susceptibility to, 6. Also called: Herpes simplex encephalitis, susceptibility to, 4. Identifiers: Orphanet 1930, MedGen C3553869, MONDO:0013921, OMIM 614850.

Allele frequency attached by ClinVar (database versions not stated): gnomAD exomes 0.00001 and below 0.00001; gnomAD 0.00001; TOPMed 0.00001.
gnomAD v4.1: 19 of 1,613,948 alleles (0.0012%); highest among the groups gnomAD compares: Middle Eastern, 0.016%; no homozygotes.

Submissions (2):

Ambry Genetics
Classification: Uncertain significance. Last evaluated: 2024-09-12. Review status: criteria provided, single submitter. Criteria: Ambry Variant Classification Scheme 2023. Collection method: clinical testing. Allele origin: germline.

Labcorp Genetics (formerly Invitae), Labcorp
Classification: Uncertain significance for Encephalopathy, acute, infection-induced (herpes-specific), susceptibility to, 6. Last evaluated: 2022-10-03. Review status: criteria provided, single submitter. Criteria: Invitae Variant Classification Sherloc (09022015). Collection method: clinical testing. Allele origin: germline.
Comment: In summary, the available evidence is currently insufficient to determine the role of this variant in disease. Therefore, it has been classified as a Variant of Uncertain Significance. Algorithms developed to predict the effect of missense changes on protein structure and function (SIFT, PolyPhen-2, Align-GVGD) all suggest that this variant is likely to be disruptive. ClinVar contains an entry for this variant (Variation ID: 1407063). This variant has not been reported in the literature in individuals affected with TICAM1-related conditions. This variant is present in population databases (no rsID available, gnomAD 0.0009%). This sequence change replaces threonine, which is neutral and polar, with alanine, which is neutral and non-polar, at codon 426 of the TICAM1 protein (p.Thr426Ala).